The following is an entry in ClinVar:

NM_030930.4(UNC93B1):c.1504G>T (p.Val502Leu)

Gene: UNC93B1 (unc-93B1 regulator of TLR signaling; minus strand). Cytogenetic location: 11q13.2.
Variant type: single nucleotide variant.
Coding change: c.1504G>T on transcript NM_030930.4 (MANE Select); coding-DNA position 1504, G replaced by T.
Protein change: p.Val502Leu; replaces valine 502 with leucine.
Molecular consequence: missense variant.
Genome position (GRCh38, 1-based): chr11:67,991,836, C>A on the plus strand (G>T on the coding strand, the complement: UNC93B1 is on the minus strand). VCF-style: chr11-67991836-C-A. GRCh37 (hg19) VCF-style: chr11-67759307-C-A.
Other names: short protein forms V502L.
Identifiers: ClinVar variation 856121 (VCV000856121.7), dbSNP rs1328717352, ClinGen allele CA381567745.

ClinVar aggregate classification (germline): Uncertain significance (1 of 4 stars; one submission).

Conditions:
Encephalopathy, acute, infection-induced (herpes-specific), susceptibility to, 1. Also called: Herpes simplex encephalitis, susceptibility to, 1. Identifiers: Orphanet 1930, MedGen C2750180, MONDO:0024563, OMIM 610551.

Submission:

Labcorp Genetics (formerly Invitae), Labcorp
Classification: Uncertain significance for Encephalopathy, acute, infection-induced (herpes-specific), susceptibility to, 1. Last evaluated: 2024-05-08. Review status: criteria provided, single submitter. Criteria: Invitae Variant Classification Sherloc (09022015). Collection method: clinical testing. Allele origin: germline.
Comment: This sequence change replaces valine with leucine at codon 502 of the UNC93B1 protein (p.Val502Leu). There is a small physicochemical difference between valine and leucine. This variant is not present in population databases (gnomAD no frequency). This variant has not been reported in the literature in individuals affected with UNC93B1-related conditions. ClinVar contains an entry for this variant (Variation ID: 856121). Algorithms developed to predict the effect of missense changes on protein structure and function output the following: SIFT: "Not Available"; PolyPhen-2: "Not Available"; Align-GVGD: "Not Available". The leucine amino acid residue is found in multiple mammalian species, which suggests that this missense change does not adversely affect protein function. In summary, the available evidence is currently insufficient to determine the role of this variant in disease. Therefore, it has been classified as a Variant of Uncertain Significance.